The following is an entry in ClinVar:

ClinVar aggregate classification (germline): Uncertain significance. Review status: criteria provided, multiple submitters, no conflicts (2 of 4 stars). 2 submissions from 2 submitters: Uncertain significance (2). Last evaluated 2023-11-16.

Conditions:
Hereditary cancer-predisposing syndrome. Also called: Neoplastic Syndromes, Hereditary; Hereditary Cancer Syndrome; Hereditary neoplastic syndrome; Tumor predisposition. Identifiers: Orphanet 140162, MedGen C0027672, MeSH D009386, MONDO:0015356.
Familial cancer of breast. Also called: hereditary breast carcinoma; BREAST CANCER, FAMILIAL; Hereditary breast cancer. Identifiers: Orphanet 227535, MedGen C0346153, MONDO:0016419, OMIM 114480. Disease mechanism: loss of function.
Fanconi anemia complementation group J. Also called: BRIP1-Related Fanconi Anemia. Identifiers: Orphanet 84, MedGen C1836860, MONDO:0012187, OMIM 609054.

Submissions (2):

Labcorp Genetics (formerly Invitae), Labcorp
Classification: Uncertain significance for Familial cancer of breast; Fanconi anemia complementation group J. Last evaluated: 2023-11-16. Review status: criteria provided, single submitter. Criteria: Invitae Variant Classification Sherloc (09022015). Collection method: clinical testing. Allele origin: germline.
Comment: This sequence change replaces arginine, which is basic and polar, with glycine, which is neutral and non-polar, at codon 707 of the BRIP1 protein (p.Arg707Gly). This variant is not present in population databases (gnomAD no frequency). This variant has not been reported in the literature in individuals affected with BRIP1-related conditions. ClinVar contains an entry for this variant (Variation ID: 847265). Advanced modeling of protein sequence and biophysical properties (such as structural, functional, and spatial information, amino acid conservation, physicochemical variation, residue mobility, and thermodynamic stability) performed at Invitae indicates that this missense variant is expected to disrupt BRIP1 protein function with a positive predictive value of 80%. In summary, the available evidence is currently insufficient to determine the role of this variant in disease. Therefore, it has been classified as a Variant of Uncertain Significance.

Ambry Genetics
Classification: Uncertain significance for Hereditary cancer-predisposing syndrome. Last evaluated: 2022-03-29. Review status: criteria provided, single submitter. Criteria: Ambry Variant Classification Scheme 2023. Collection method: clinical testing. Allele origin: germline.
Comment: The p.R707G variant (also known as c.2119C>G), located in coding exon 14 of the BRIP1 gene, results from a C to G substitution at nucleotide position 2119. The arginine at codon 707 is replaced by glycine, an amino acid with dissimilar properties. This amino acid position is highly conserved in available vertebrate species. In addition, this alteration is predicted to be deleterious by in silico analysis. Since supporting evidence is limited at this time, the clinical significance of this alteration remains unclear.

NM_032043.3(BRIP1):c.2119C>G (p.Arg707Gly)

Gene: BRIP1 (BRCA1 interacting DNA helicase 1; minus strand). Cytogenetic location: 17q23.2.
Variant type: single nucleotide variant.
Coding change: c.2119C>G on transcript NM_032043.3 (MANE Select); coding-DNA position 2119, C replaced by G.
Protein change: p.Arg707Gly; replaces arginine 707 with glycine.
Molecular consequence: missense variant.
Genome position (GRCh38, 1-based): chr17:61,744,570, G>C on the plus strand (C>G on the coding strand, the complement: BRIP1 is on the minus strand). VCF-style: chr17-61744570-G-C. GRCh37 (hg19) VCF-style: chr17-59821931-G-C.
Other names: short protein forms R707G.
Identifiers: ClinVar variation 847265 (VCV000847265.13), dbSNP rs764803896, ClinGen allele CA400483310.